The following is an entry in ClinVar:

ClinVar aggregate classification (germline): Uncertain significance (1 of 4 stars; one submission).

Conditions:
Muscular dystrophy-dystroglycanopathy (congenital with brain and eye anomalies), type a, 8 (MDDGA8). Also called: WALKER-WARBURG SYNDROME OR MUSCLE-EYE-BRAIN DISEASE, GTDC2-RELATED. Identifiers: Orphanet 899, MedGen C3553813, MONDO:0013904, OMIM 614830.

gnomAD v4.1: 1 of 1,612,980 alleles (0.000062%); highest among the groups gnomAD compares: East Asian, 0.0022%; no homozygotes.

Submission:

Labcorp Genetics (formerly Invitae), Labcorp
Classification: Uncertain significance for Muscular dystrophy-dystroglycanopathy (congenital with brain and eye anomalies), type a, 8. Last evaluated: 2022-08-14. Review status: criteria provided, single submitter. Criteria: Invitae Variant Classification Sherloc (09022015). Collection method: clinical testing. Allele origin: germline.
Comment: This variant has not been reported in the literature in individuals affected with POMGNT2-related conditions. This sequence change replaces valine, which is neutral and non-polar, with leucine, which is neutral and non-polar, at codon 577 of the POMGNT2 protein (p.Val577Leu). In summary, the available evidence is currently insufficient to determine the role of this variant in disease. Therefore, it has been classified as a Variant of Uncertain Significance. Algorithms developed to predict the effect of missense changes on protein structure and function (SIFT, PolyPhen-2, Align-GVGD) all suggest that this variant is likely to be tolerated. This variant is not present in population databases (gnomAD no frequency).

NM_032806.6(POMGNT2):c.1729G>T (p.Val577Leu)

Gene: POMGNT2 (protein O-linked mannose N-acetylglucosaminyltransferase 2 (beta 1,4-); minus strand). Cytogenetic location: 3p22.1.
Variant type: single nucleotide variant.
Coding change: c.1729G>T on transcript NM_032806.6 (MANE Select); coding-DNA position 1729, G replaced by T.
Protein change: p.Val577Leu; replaces valine 577 with leucine.
Molecular consequence: missense variant.
Genome position (GRCh38, 1-based): chr3:43,079,703, C>A on the plus strand (G>T on the coding strand, the complement: POMGNT2 is on the minus strand). VCF-style: chr3-43079703-C-A. GRCh37 (hg19) VCF-style: chr3-43121195-C-A.
Other names: short protein forms V577L.
Identifiers: ClinVar variation 2091473 (VCV002091473.4), dbSNP rs1184055654, ClinGen allele CA352299327.